The following is an entry in ClinVar:

NM_000053.4(ATP7B):c.448_452del (p.Glu150fs)

Gene: ATP7B (ATPase copper transporting beta; minus strand). Cytogenetic location: 13q14.3.
Variant type: Deletion.
Coding change: c.448_452del on transcript NM_000053.4 (MANE Select); coding-DNA positions 448 to 452, 5 bases deleted (GAGGG; older notation c.448_452delGAGGG).
Protein change: p.Glu150fs; shifts the reading frame from glutamic acid 150.
Molecular consequence: frameshift variant.
Genome position (GRCh38, 1-based): chr13:51,974,768-51,974,772, CCCTC deleted on the plus strand (GAGGG on the coding strand, the reverse complement: ATP7B is on the minus strand); deleting any 5 consecutive bases within chr13:51,974,768-51,974,773 gives the same sequence; the c. name uses the placement nearest the transcript's 3' end. VCF-style (leftmost placement, unchanged base first): chr13-51974767-GCCCTC-G. GRCh37 (hg19) VCF-style: chr13-52548903-GCCCTC-G.
Other names: c.448_452del, p.Glu150fs (NM_001005918.3, NM_001243182.2, NM_001330578.2 and 30 more transcripts); c.352_356del, p.Glu118fs (NM_001406517.1, NM_001406518.1, NM_001406530.1 and 4 more transcripts); short protein forms E118fs, E150fs.
Identifiers: ClinVar variation 3341322 (VCV003341322.1).

ClinVar aggregate classification (germline): Likely pathogenic (1 of 4 stars; one submission).

Conditions:
Wilson disease (WND). Also called: Wilson's disease. Identifiers: Orphanet 905, MedGen C0019202, MONDO:0010200, OMIM 277900. Disease mechanism: loss of function.

Submission:

Neuberg Centre For Genomic Medicine, NCGM
Classification: Likely pathogenic for Wilson disease. Last evaluated: 2023-05-20. Review status: criteria provided, single submitter. Criteria: ACMG Guidelines, 2015. Collection method: clinical testing. Allele origin: germline. Inheritance: Autosomal recessive inheritance. Affected: yes.
Comment: The observed frameshift variant c.448_452del (p.Glu150HisfsTer11) in the ATP7B gene has not been reported previously as a pathogenic variant nor as a benign variant, to our knowledge. This variant is reported with the allele frequency 0.0004% in the gnomAD Exomes. This variant causes a frameshift starting with codon Glutamic Acid 150, changes this amino acid to Histidine residue, and creates a premature Stop codon at position 11 of the new reading frame, denoted p.Glu150HisfsTer11. This variant is predicted to cause loss of normal protein function through protein truncation. Loss of function variants have been previously reported to be disease causing (Stalke A, et al., 2019). For these reasons, this variant has been classified as Likely Pathogenic.